The following is an entry in ClinVar:

ClinVar aggregate classification (germline): Uncertain significance (1 of 4 stars; one submission).

Conditions:
Intellectual developmental disorder, X-linked, syndromic 37. Identifiers: MedGen C5935567, MONDO:0958322, OMIM 301118.

Submission:

Victorian Clinical Genetics Services, Murdoch Childrens Research Institute
Classification: Uncertain significance for Intellectual developmental disorder, X-linked, syndromic 37. Last evaluated: 2024-10-10. Review status: criteria provided, single submitter. Criteria: ACMG Guidelines, 2015. Collection method: clinical testing. Allele origin: germline. Inheritance: X-linked inheritance. Affected: yes.
Comment: Based on the classification scheme VCGS_Germline_v1.3.5, this variant is classified as VUS-3B. Following criteria are met: 0105 - The mechanism of disease for this gene is not clearly established. The same missense variants were observed to have both loss of function and gain of function effects so it is unclear which mechanism is responsible for disease. These variants had reduced DNA binding and expression across a number of genes normally targeted by this transcription factor, and also increased binding to and expression of some genes not affected by wild type ZFX (PMID: 38325380). (I) 0110 - This gene is associated with X-linked disease. Heterozygous females may or may not be affected due to skewed X-inactivation, with symptoms ranging from hyperparathyroidism to a mild neurodevelopmental disorder (PMID: 38325380). (I) 0200 - Variant is predicted to result in a missense amino acid change from aspartic acid to asparagine. This variant is also in a non-canonical splice region. (I) 0219 - This variant is non-coding in an alternative transcript. This variant is coding in the MANE select transcript, however, it is not coding in the most highly expressed transcript in GTEx. (I) 0253 - This variant is hemizygous. (I) 0301 - Variant is absent from gnomAD (v2, v3 and v4). (SP) 0309 - An alternative amino acid change at the same position has been observed in gnomAD (v4; 1 heterozygote, 0 homozygotes). (I) 0502 - Missense variant with conflicting in silico predictions and uninformative conservation. In silico predictions for abnormal splicing are conflicting. (I) 0600 - Variant is located in the annotated Zfx transcription activation family domain (DECIPHER). (I) 0705 - No comparable missense variants have previous evidence for pathogenicity. (I) 0807 - This variant has no previous evidence of pathogenicity. (I) 0905 - No published segregation evidence has been identified for this variant. (I) 1007 - No published functional evidence has been identified for this variant. (I) Legend: (SP) - Supporting pathogenic, (I) - Information, (SB) - Supporting benign

Literature cited by the submitters: PubMed 38325380.

NM_003410.4(ZFX):c.649G>A (p.Asp217Asn)

Gene: ZFX (zinc finger protein X-linked; plus strand). Cytogenetic location: Xp22.11.
Variant type: single nucleotide variant.
Coding change: c.649G>A on transcript NM_003410.4 (MANE Select); coding-DNA position 649, G replaced by A.
Protein change: p.Asp217Asn; replaces aspartic acid 217 with asparagine.
Molecular consequence: missense variant. On other transcripts: 5 prime UTR variant (1).
Genome position (GRCh38, 1-based): chrX:24,207,328, G>A. VCF-style: chrX-24207328-G-A. GRCh37 (hg19) VCF-style: chrX-24225445-G-A.
Other names: c.649G>A, p.Asp217Asn (NM_001178084.2, NM_001178085.1, NM_001178095.2); c.-39G>A (NM_001178086.2); c.766G>A, p.Asp256Asn (NM_001330327.2); short protein forms D217N, D256N.
Identifiers: ClinVar variation 3377325 (VCV003377325.1).